The following is an entry in ClinVar:

NM_012471.3(TRPC5):c.2763C>T (p.Ala921=)

Gene: TRPC5 (transient receptor potential cation channel subfamily C member 5; minus strand). Cytogenetic location: Xq23.
Variant type: single nucleotide variant.
Coding change: c.2763C>T on transcript NM_012471.3 (MANE Select); coding-DNA position 2763, C replaced by T.
Protein change: p.Ala921=; no amino-acid change (alanine 921 retained).
Molecular consequence: synonymous variant.
Genome position (GRCh38, 1-based): chrX:111,776,472, G>A on the plus strand (C>T on the coding strand, the complement: TRPC5 is on the minus strand). VCF-style: chrX-111776472-G-A. GRCh37 (hg19) VCF-style: chrX-111019700-G-A.
Identifiers: ClinVar variation 4991879 (VCV004991879.1).

ClinVar aggregate classification (germline): Likely benign (1 of 4 stars; one submission).

Conditions:
TRPC5-related disorder. Also called: TRPC5-related condition.

Submission:

PreventionGenetics, part of Exact Sciences
Classification: Likely benign for TRPC5-related condition. Last evaluated: 2026-08-04. Review status: criteria provided, single submitter. Criteria: ACMG Guidelines, 2015. Collection method: clinical testing. Allele origin: germline.
Comment: This variant is classified as likely benign based on ACMG/AMP sequence variant interpretation guidelines (Richards et al. 2015 PMID: 25741868, with internal and published modifications).